The following is an entry in ClinVar:

ClinVar aggregate classification (germline): Uncertain significance (1 of 4 stars; one submission).

Conditions:
Propionic acidemia (PROP). Also called: GLYCINEMIA, KETOTIC; HYPERGLYCINEMIA WITH KETOACIDOSIS AND LEUKOPENIA; KETOTIC HYPERGLYCINEMIA. Identifiers: Orphanet 35, MedGen C0268579, MONDO:0011628, OMIM 606054, HP:0003571.

gnomAD v4.1: 2 of 1,610,970 alleles (0.00012%); highest among the groups gnomAD compares: South Asian, 0.0022%; no homozygotes.

Submission:

Labcorp Genetics (formerly Invitae), Labcorp
Classification: Uncertain significance for Propionic acidemia. Last evaluated: 2022-02-24. Review status: criteria provided, single submitter. Criteria: Invitae Variant Classification Sherloc (09022015). Collection method: clinical testing. Allele origin: germline.
Comment: This sequence change replaces threonine, which is neutral and polar, with arginine, which is basic and polar, at codon 185 of the PCCB protein (p.Thr185Arg). This variant is not present in population databases (gnomAD no frequency). This variant has not been reported in the literature in individuals affected with PCCB-related conditions. ClinVar contains an entry for this variant (Variation ID: 962879). Advanced modeling of protein sequence and biophysical properties (such as structural, functional, and spatial information, amino acid conservation, physicochemical variation, residue mobility, and thermodynamic stability) performed at Invitae indicates that this missense variant is not expected to disrupt PCCB protein function. In summary, the available evidence is currently insufficient to determine the role of this variant in disease. Therefore, it has been classified as a Variant of Uncertain Significance.

NM_000532.5(PCCB):c.554C>G (p.Thr185Arg)

Gene: PCCB (propionyl-CoA carboxylase subunit beta; plus strand). Cytogenetic location: 3q22.3.
Variant type: single nucleotide variant.
Coding change: c.554C>G on transcript NM_000532.5 (MANE Select); coding-DNA position 554, C replaced by G.
Protein change: p.Thr185Arg; replaces threonine 185 with arginine.
Molecular consequence: missense variant.
Genome position (GRCh38, 1-based): chr3:136,283,847, C>G. VCF-style: chr3-136283847-C-G. GRCh37 (hg19) VCF-style: chr3-136002689-C-G.
Other names: c.614C>G, p.Thr205Arg (NM_001178014.2); short protein forms T185R, T205R.
Identifiers: ClinVar variation 962879 (VCV000962879.7), dbSNP rs369612150, ClinGen allele CA354641787.